The following is an entry in ClinVar:

NC_012920.1(MT-TS1):m.7512T>C

Gene: MT-TS1 (mitochondrially encoded tRNA serine 1 (UCN); minus strand).
Variant type: single nucleotide variant.
Genome position: chrM-7512-T-C.
Other names: 7512T-C.
Identifiers: ClinVar variation 9562 (VCV000009562.7), dbSNP rs199474817, ClinGen allele CA120546.
Genomic context (GRCh38, chrMT:7,512, plus strand): 5'-AGGAAGGAATCGAACCCCCCAAAGCTGGTTTCAAGCCAACCCCATGGCCTCCATGACTTT[T>C]TCAAAAAGGTATTAGAAAAACCATTTCATAACTTTGTCAAAGTTAAATTATAGGCTAAAT-3'

ClinVar aggregate classification (germline): Likely pathogenic. Review status: reviewed by expert panel (3 of 4 stars). 8 submissions from 7 submitters: Likely pathogenic (1). 7 of the submissions do not count toward it. Last evaluated 2024-07-08.

Conditions:
Limb ataxia. Identifiers: MedGen C0750937, HP:0002070.
Mitochondrial disease. Also called: Mitochondrial disorder; Mitochondrial disorders. Identifiers: Orphanet 68380, MedGen C0751651, MeSH D028361, MONDO:0044970.
MERRF/MELAS overlap syndrome. Identifiers: MedGen C3151970.
Mitochondrial cytochrome c oxidase deficiency. Identifiers: MedGen C4016626.
MELAS syndrome (MELAS). Also called: Juvenile myopathy, encephalopathy, lactic acidosis, stroke. Identifiers: Orphanet 550, MedGen C0162671, MONDO:0010789, OMIM 540000.
Mitochondrial complex IV deficiency, nuclear type 1 (MC4DN1). Also called: COX DEFICIENCY; Mitochondrial complex IV deficiency; Complex 4 mitochondrial respiratory chain deficiency; Deficiency of mitochondrial respiratory chain complex4; Complex IV deficiency. Identifiers: MedGen C5435656, MONDO:0700250, OMIM 220110. Disease mechanism: loss of function.

Submissions (8):

ClinGen Mitochondrial Disease Nuclear and Mitochondrial  Variant Curation Expert Panel, ClinGen
Classification: Likely pathogenic for Mitochondrial disease. Last evaluated: 2024-07-08. Review status: reviewed by expert panel. Criteria: clingen mito disease acmg specifications v1-1. Collection method: curation. Allele origin: germline. Inheritance: Mitochondrial inheritance.
Comment: The m.7512T>C variant in MT-TS1 has been reported in four unrelated individuals with primary mitochondrial disease (PS4_moderate; PMIDs: 7669057, 17894844, 9778262). Clinical features in affected individuals include mitochondrial encephalomyopathy, lactic acidosis, and stroke-like episodes (MELAS) as well as seizures, cognitive decline, dementia, muscle atrophy, muscle weakness, ataxia, developmental regression, and sensorineural hearing loss. Muscle biopsy in some cases showed ragged red fibers. Heteroplasmy levels in affected individuals ranged from 24% to homoplasmy. There are no reported de novo occurrences of this variant reported to our knowledge. The variant segregated with clinical features in all reported families (PP1_moderate; PMIDs: 7669057, 17894844, 9778262). This variant is absent in the GenBank dataset and gnomAD v3.1.2, and there is one heteroplasmic occurrence in the Helix dataset (PM2_supporting). The computational predictor MitoTIP suggests this variant is pathogenic (64.2 percentile) and HmtVAR predicts it to be pathogenic score of 0.75 (PP3). Single fiber analysis showed significantly higher levels of the variant in COX-negative fibers (n=10, median 97%, range: 94–99%) compared with COX-positive fibers (n=10, median 36%, range: 12–91%) (PS3_supporting, PMID: 17894844). In summary, this variant meets criteria to be classified as likely pathogenic for primary mitochondrial disease inherited in a mitochondrial manner. This classification was approved by the NICHD/NINDS U24 ClinGen Mitochondrial Disease Variant Curation Expert Panel on July 8, 2024. Mitochondrial DNA-specific ACMG/AMP criteria applied (PMID: 32906214): PS4_moderate, PP1_moderate, PM2_supporting, PP3, PS3_supporting.

Clinical Genetics Laboratory, Skane University Hospital Lund
Classification: Likely pathogenic for Limb ataxia. Last evaluated: 2025-07-23. Review status: criteria provided, single submitter. Criteria: ACMG Guidelines, 2015. Collection method: clinical testing. Allele origin: germline. Inheritance: Mitochondrial inheritance. Affected: yes. Not counted in ClinVar's aggregate classification.
Comment: Reviewed by ClinGen Mitochondrial Disease Nuclear and Mitochondrial Variant Curation Expert Panel as Likely pathogenic.

MGZ Medical Genetics Center
Classification: Likely pathogenic for MERRF/MELAS overlap syndrome. Last evaluated: 2022-06-30. Review status: criteria provided, single submitter. Criteria: ACMG Mitochondrial DNA Guidelines, 2020. Collection method: clinical testing. Allele origin: maternal. Affected: yes. Not counted in ClinVar's aggregate classification.

Mendelics
Classification: Pathogenic for Mitochondrial complex IV deficiency, nuclear type 1. Last evaluated: 2022-05-04. Review status: criteria provided, single submitter. Criteria: Mendelics Assertion Criteria 2019. Collection method: clinical testing. Allele origin: germline. Not counted in ClinVar's aggregate classification.

Wong Mito Lab, Molecular and Human Genetics, Baylor College of Medicine
Classification: Pathogenic for MELAS syndrome. Last evaluated: 2019-07-12. Review status: criteria provided, single submitter. Criteria: Modified ACMG Guidelines (Unpublished). Collection method: clinical testing. Allele origin: germline. Not counted in ClinVar's aggregate classification.
Comment: The NC_012920.1:m.7512T>C variant in MT-TS1 gene is interpreted to be a Pathogenic variant based on the modified ACMG guidelines (unpublished). This variant meets the following evidence codes reported in the guidelines: PS3, PS5, PP3

OMIM
Classification: Pathogenic for MERRF/MELAS OVERLAP SYNDROME. Last evaluated: 1998-11-01. Review status: no assertion criteria provided. Collection method: literature only. Allele origin: germline. Not counted in ClinVar's aggregate classification.

OMIM
Classification: Pathogenic for MITOCHONDRIAL CYTOCHROME c OXIDASE DEFICIENCY. Last evaluated: 1998-11-01. Review status: no assertion criteria provided. Collection method: literature only. Allele origin: germline. Not counted in ClinVar's aggregate classification.

GeneReviews
No classification provided. Condition: MELAS syndrome. Review status: no classification provided. Collection method: literature only. Allele origin: maternal. Not counted in ClinVar's aggregate classification.

Literature cited by the submitters: PubMed 31965079 (cited by Wong Mito Lab, Molecular and Human Genetics, Baylor College of Medicine); PubMed 7669057 (cited by Wong Mito Lab, Molecular and Human Genetics, Baylor College of Medicine and OMIM); PubMed 9832034 (cited by OMIM); PubMed 17894844 (cited by GeneReviews).